The following is an entry in ClinVar:

ClinVar aggregate classification (germline): Uncertain significance (1 of 4 stars; one submission).

Allele frequency attached by ClinVar (database versions not stated): ExAC 0.00003; TOPMed 0.00009; gnomAD exomes 0.00012; gnomAD 0.00014.
gnomAD v4.1: 139 of 1,194,532 alleles (0.012%); highest among the groups gnomAD compares: Non-Finnish European, 0.017%; no homozygotes.

Submission:

Women's Health and Genetics/Laboratory Corporation of America, LabCorp
Classification: Uncertain significance. Last evaluated: 2023-11-17. Review status: criteria provided, single submitter. Criteria: LabCorp Variant Classification Summary - May 2015. Collection method: clinical testing. Allele origin: germline.
Comment: Variant summary: HSPD1 c.*16T>C is located in the untranslated mRNA region downstream of the termination codon. The variant allele was found at a frequency of 2.9e-05 in 244266 control chromosomes. The available data on variant occurrences in the general population are insufficient to allow any conclusion about variant significance. To our knowledge, no occurrence of c.*16T>C in individuals affected with HSPD1-Related Disorders and no experimental evidence demonstrating its impact on protein function have been reported. No submitters have cited clinical-significance assessments for this variant to ClinVar after 2014. Based on the evidence outlined above, the variant was classified as uncertain significance.

NM_002156.5(HSPD1):c.*16T>C

Gene: HSPD1 (heat shock protein family D (Hsp60) member 1; minus strand). Cytogenetic location: 2q33.1.
Variant type: single nucleotide variant.
Coding change: c.*16T>C on transcript NM_002156.5 (MANE Select); 16 bases downstream of the stop codon, T replaced by C.
Molecular consequence: 3 prime UTR variant.
Genome position (GRCh38, 1-based): chr2:197,487,030, A>G on the plus strand (T>C on the coding strand, the complement: HSPD1 is on the minus strand). VCF-style: chr2-197487030-A-G. GRCh37 (hg19) VCF-style: chr2-198351754-A-G.
Other names: c.*16T>C (NM_199440.2).
Identifiers: ClinVar variation 2682605 (VCV002682605.1), dbSNP rs776425415, ClinGen allele CA2043298.